The following is an entry in ClinVar:

NM_020778.5(ALPK3):c.125G>A (p.Ser42Asn)

Gene: ALPK3 (alpha kinase 3; plus strand). Cytogenetic location: 15q25.3.
Variant type: single nucleotide variant.
Coding change: c.125G>A on transcript NM_020778.5 (MANE Select); coding-DNA position 125, G replaced by A.
Protein change: p.Ser42Asn; replaces serine 42 with asparagine.
Molecular consequence: missense variant.
Genome position (GRCh38, 1-based): chr15:84,817,577, G>A. VCF-style: chr15-84817577-G-A. GRCh37 (hg19) VCF-style: chr15-85360808-G-A.
Other names: short protein forms S42N.
Identifiers: ClinVar variation 4719740 (VCV004719740.1).

ClinVar aggregate classification (germline): Uncertain significance (1 of 4 stars; one submission).

gnomAD v4.1: 1 of 1,502,728 alleles (0.000067%); highest among the groups gnomAD compares: Non-Finnish European, 0.000088%; no homozygotes.

Submission:

Labcorp Genetics (formerly Invitae), Labcorp
Classification: Uncertain significance. Last evaluated: 2025-05-18. Review status: criteria provided, single submitter. Criteria: Invitae Variant Classification Sherloc (09022015). Collection method: clinical testing. Allele origin: germline.
Comment: This sequence change replaces serine, which is neutral and polar, with asparagine, which is neutral and polar, at codon 244 of the ALPK3 protein (p.Ser244Asn). This variant is not present in population databases (gnomAD no frequency). This variant has not been reported in the literature in individuals affected with ALPK3-related conditions. An algorithm developed to predict the effect of missense changes on protein structure and function outputs the following: PolyPhen-2: "Benign". The asparagine amino acid residue is found in multiple mammalian species, which suggests that this missense change does not adversely affect protein function. In summary, the available evidence is currently insufficient to determine the role of this variant in disease. Therefore, it has been classified as a Variant of Uncertain Significance.